The following is an entry in ClinVar:

NM_024596.5(MCPH1):c.1487C>T (p.Ser496Leu)

Gene: MCPH1 (microcephalin 1; plus strand). Cytogenetic location: 8p23.1.
Variant type: single nucleotide variant.
Coding change: c.1487C>T on transcript NM_024596.5 (MANE Select); coding-DNA position 1487, C replaced by T.
Protein change: p.Ser496Leu; replaces serine 496 with leucine.
Molecular consequence: missense variant. On other transcripts: non-coding transcript variant (1).
Genome position (GRCh38, 1-based): chr8:6,445,209, C>T. VCF-style: chr8-6445209-C-T. GRCh37 (hg19) VCF-style: chr8-6302730-C-T.
Other names: c.1487C>T, p.Ser496Leu (NM_001172574.2, NM_001322042.2, NM_001363979.1 and 3 more transcripts); c.1343C>T, p.Ser448Leu (NM_001172575.2); c.1481C>T, p.Ser494Leu (NM_001322043.2); c.1385C>T, p.Ser462Leu (NM_001322045.2); short protein forms S496L, S494L, S448L, S462L.
Identifiers: ClinVar variation 2221633 (VCV002221633.4), dbSNP rs549929887, ClinGen allele CA4610569.

ClinVar aggregate classification (germline): Conflicting classifications of pathogenicity. Review status: criteria provided, conflicting classifications (1 of 4 stars). 3 submissions from 3 submitters: Uncertain significance (2); Likely benign (1). Last evaluated 2026-04-02.

Conditions:
Inborn genetic diseases. Identifiers: MedGen C0950123, MeSH D030342.

Allele frequency attached by ClinVar (database versions not stated): gnomAD 0.00003; 1000 Genomes Project 30x 0.00016; ExAC 0.00005; 1000 Genomes Project 0.00020.
gnomAD v4.1: 51 of 1,614,250 alleles (0.0032%); highest among the groups gnomAD compares: East Asian, 0.0089%; no homozygotes.

Submissions (3):

GeneDx
Classification: Uncertain significance. Last evaluated: 2026-04-02. Review status: criteria provided, single submitter. Criteria: GeneDx Variant Classification Process June 2021. Collection method: clinical testing. Allele origin: germline.
Comment: In silico analysis suggests that this missense variant does not alter protein structure/function; Has not been previously published as pathogenic or benign to our knowledge

Labcorp Genetics (formerly Invitae), Labcorp
Classification: Uncertain significance. Last evaluated: 2025-12-21. Review status: criteria provided, single submitter. Criteria: Invitae Variant Classification Sherloc (09022015). Collection method: clinical testing. Allele origin: germline.
Comment: This sequence change replaces serine, which is neutral and polar, with leucine, which is neutral and non-polar, at codon 496 of the MCPH1 protein (p.Ser496Leu). This variant is present in population databases (rs549929887, gnomAD 0.02%). This variant has not been reported in the literature in individuals affected with MCPH1-related conditions. ClinVar contains an entry for this variant (Variation ID: 2221633). Invitae Evidence Modeling of protein sequence and biophysical properties (such as structural, functional, and spatial information, amino acid conservation, physicochemical variation, residue mobility, and thermodynamic stability) indicates that this missense variant is not expected to disrupt MCPH1 protein function with a negative predictive value of 80%. In summary, the available evidence is currently insufficient to determine the role of this variant in disease. Therefore, it has been classified as a Variant of Uncertain Significance.

Ambry Genetics
Classification: Likely benign for Inborn genetic diseases. Last evaluated: 2022-04-07. Review status: criteria provided, single submitter. Criteria: Ambry Variant Classification Scheme 2023. Collection method: clinical testing. Allele origin: germline.